The following is an entry in ClinVar:

NM_001378454.1(ALMS1):c.8574A>C (p.Arg2858Ser)

Gene: ALMS1 (ALMS1 centrosome and basal body associated protein; plus strand). Cytogenetic location: 2p13.1.
Variant type: single nucleotide variant.
Coding change: c.8574A>C on transcript NM_001378454.1 (MANE Select); coding-DNA position 8574, A replaced by C.
Protein change: p.Arg2858Ser; replaces arginine 2858 with serine.
Molecular consequence: missense variant.
Genome position (GRCh38, 1-based): chr2:73,490,533, A>C. VCF-style: chr2-73490533-A-C. GRCh37 (hg19) VCF-style: chr2-73717660-A-C.
Other names: c.8577A>C, p.Arg2859Ser (NM_015120.4); short protein forms R2859S, R2858S.
Identifiers: ClinVar variation 1429376 (VCV001429376.3), dbSNP rs1489673662, ClinGen allele CA347269461.

ClinVar aggregate classification (germline): Uncertain significance (1 of 4 stars; one submission).

Conditions:
Alstrom syndrome (ALMS). Identifiers: Orphanet 64, MedGen C0268425, MONDO:0008763, OMIM 203800.

Submission:

Labcorp Genetics (formerly Invitae), Labcorp
Classification: Uncertain significance for Alstrom syndrome. Last evaluated: 2022-06-27. Review status: criteria provided, single submitter. Criteria: Invitae Variant Classification Sherloc (09022015). Collection method: clinical testing. Allele origin: germline.
Comment: This sequence change replaces arginine, which is basic and polar, with serine, which is neutral and polar, at codon 2859 of the ALMS1 protein (p.Arg2859Ser). This variant is not present in population databases (gnomAD no frequency). This variant has not been reported in the literature in individuals affected with ALMS1-related conditions. Experimental studies and prediction algorithms are not available or were not evaluated, and the functional significance of this variant is currently unknown. In summary, the available evidence is currently insufficient to determine the role of this variant in disease. Therefore, it has been classified as a Variant of Uncertain Significance.